The following is an entry in ClinVar:

ClinVar aggregate classification (germline): Uncertain significance (1 of 4 stars; one submission).

Submission:

GeneDx
Classification: Uncertain significance. Last evaluated: 2019-07-21. Review status: criteria provided, single submitter. Criteria: GeneDx Variant Classification Process June 2021. Collection method: clinical testing. Allele origin: germline. Affected: yes.
Comment: Not observed in large population cohorts (Lek et al., 2016); In silico analysis, which includes protein predictors and evolutionary conservation, supports a deleterious effect; Has not been previously published as pathogenic or benign to our knowledge

NM_004046.6(ATP5F1A):c.308A>T (p.Lys103Met)

Gene: ATP5F1A (ATP synthase F1 subunit alpha; minus strand). Cytogenetic location: 18q21.1.
Variant type: single nucleotide variant.
Coding change: c.308A>T on transcript NM_004046.6 (MANE Select); coding-DNA position 308, A replaced by T.
Protein change: p.Lys103Met; replaces lysine 103 with methionine.
Molecular consequence: missense variant.
Genome position (GRCh38, 1-based): chr18:46,091,683, T>A on the plus strand (A>T on the coding strand, the complement: ATP5F1A is on the minus strand). VCF-style: chr18-46091683-T-A. GRCh37 (hg19) VCF-style: chr18-43671649-T-A.
Other names: c.158A>T, p.Lys53Met (NM_001001935.3, NM_001257335.2); c.308A>T, p.Lys103Met (NM_001001937.2, NM_001257334.2); short protein forms K103M, K53M.
Identifiers: ClinVar variation 1315744 (VCV001315744.2), dbSNP rs2144197566, ClinGen allele CA402357962.